The following is an entry in ClinVar:

ClinVar aggregate classification (germline): Benign/Likely benign. Review status: criteria provided, multiple submitters, no conflicts (2 of 4 stars). 3 submissions from 3 submitters: Benign (1); Likely benign (2). Last evaluated 2026-01-22.

Allele frequency attached by ClinVar (database versions not stated): gnomAD exomes 0.00005 and 0.00015; ExAC 0.00018; gnomAD 0.00053 and 0.00059; ESP Exome Variant Server 0.00062; TOPMed 0.00066; 1000 Genomes Project 30x 0.00078; 1000 Genomes Project 0.00080.
gnomAD v4.1: 162 of 1,614,012 alleles (0.01%); highest among the groups gnomAD compares: African/African-American, 0.2%; 1 homozygote.

Submissions (3):

Labcorp Genetics (formerly Invitae), Labcorp
Classification: Benign. Last evaluated: 2026-01-22. Review status: criteria provided, single submitter. Criteria: Invitae Variant Classification Sherloc (09022015). Collection method: clinical testing. Allele origin: germline.

Blueprint Genetics
Classification: Likely benign. Last evaluated: 2023-05-12. Review status: criteria provided, single submitter. Criteria: ACMG Guidelines, 2015. Collection method: clinical testing. Allele origin: germline.

Laboratory for Molecular Medicine, Mass General Brigham Personalized Medicine
Classification: Likely benign. Last evaluated: 2015-05-17. Review status: criteria provided, single submitter. Criteria: LMM Criteria. Collection method: clinical testing. Allele origin: germline. Observed: 1 variant allele.
Comment: c.1566+8C>T in intron 17 of TMC1: This variant is not expected to have clinical significance because it is not located within the conserved splice consensus seq uence and has been identified in 0.2% (21/10394) of African chromosomes by the E xome Aggregation Consortium (ExAC; dbSNP rs20218 4917).

NM_138691.3(TMC1):c.1566+8C>T

Gene: TMC1 (transmembrane channel like 1; plus strand). Cytogenetic location: 9q21.13.
Variant type: single nucleotide variant.
Coding change: c.1566+8C>T on transcript NM_138691.3 (MANE Select); 8 bases into the intron after coding-DNA position 1566, C replaced by T.
Molecular consequence: intron variant.
Genome position (GRCh38, 1-based): chr9:72,792,360, C>T. VCF-style: chr9-72792360-C-T. GRCh37 (hg19) VCF-style: chr9-75407276-C-T.
Identifiers: ClinVar variation 228011 (VCV000228011.12), dbSNP rs202184917, ClinGen allele CA5081971.